The following is an entry in ClinVar:

ClinVar aggregate classification (germline): Pathogenic/Likely pathogenic. Review status: criteria provided, multiple submitters, no conflicts (2 of 4 stars). 2 submissions from 2 submitters: Pathogenic (1); Likely pathogenic (1). Last evaluated 2023-04-06.

Conditions:
Bartter disease type 1. Also called: HYPOKALEMIC ALKALOSIS WITH HYPERCALCIURIA 1, ANTENATAL; HYPERPROSTAGLANDIN E SYNDROME 1; Bartter syndrome, type 1, antenatal; Bartter Syndrome type 1. Identifiers: Orphanet 112, Orphanet 620217, MedGen C1866495, MONDO:0100344, OMIM 601678, MONDO:0011127.

Allele frequency attached by ClinVar (database versions not stated): gnomAD exomes below 0.00001; gnomAD 0.00001.
gnomAD v4.1: 4 of 1,572,154 alleles (0.00025%); highest among the groups gnomAD compares: Non-Finnish European, 0.00035%; no homozygotes.

Submissions (2):

Labcorp Genetics (formerly Invitae), Labcorp
Classification: Likely pathogenic. Last evaluated: 2023-04-06. Review status: criteria provided, single submitter. Criteria: Invitae Variant Classification Sherloc (09022015). Collection method: clinical testing. Allele origin: germline.
Comment: In summary, the currently available evidence indicates that the variant is pathogenic, but additional data are needed to prove that conclusively. Therefore, this variant has been classified as Likely Pathogenic. This sequence change affects a donor splice site in intron 16 of the SLC12A1 gene. It is expected to disrupt RNA splicing. Variants that disrupt the donor or acceptor splice site typically lead to a loss of protein function (PMID: 16199547), and loss-of-function variants in SLC12A1 are known to be pathogenic (PMID: 8640224, 9585600, 19096086). This variant is present in population databases (no rsID available, gnomAD 0.007%). This variant has not been reported in the literature in individuals affected with SLC12A1-related conditions. ClinVar contains an entry for this variant (Variation ID: 1323598). Algorithms developed to predict the effect of sequence changes on RNA splicing suggest that this variant may disrupt the consensus splice site.

Revvity Omics, Revvity
Classification: Pathogenic for Bartter disease type 1. Last evaluated: 2019-10-05. Review status: criteria provided, single submitter. Criteria: ACMG Guidelines, 2015. Collection method: clinical testing. Allele origin: germline.

Literature cited by the submitters: PubMed 16199547 (cited by Labcorp Genetics (formerly Invitae), Labcorp); PubMed 8640224 (cited by Labcorp Genetics (formerly Invitae), Labcorp); PubMed 9585600 (cited by Labcorp Genetics (formerly Invitae), Labcorp); PubMed 19096086 (cited by Labcorp Genetics (formerly Invitae), Labcorp).

NM_000338.3(SLC12A1):c.2042+2T>A

Gene: SLC12A1 (solute carrier family 12 member 1; plus strand). Cytogenetic location: 15q21.1.
Variant type: single nucleotide variant.
Coding change: c.2042+2T>A on transcript NM_000338.3 (MANE Select); the canonical splice donor site of the intron after coding-DNA position 2042, T replaced by A.
Molecular consequence: splice donor variant.
Genome position (GRCh38, 1-based): chr15:48,255,912, T>A. VCF-style: chr15-48255912-T-A. GRCh37 (hg19) VCF-style: chr15-48548109-T-A.
Other names: c.2042+2T>A (NM_001384136.1, NM_001184832.2).
Identifiers: ClinVar variation 1323598 (VCV001323598.7), dbSNP rs1400209959, ClinGen allele CA392313973.